The following is an entry in ClinVar:

ClinVar aggregate classification (germline): Benign (1 of 4 stars; one submission).

Conditions:
Familial cancer of breast. Also called: Hereditary breast cancer; BREAST CANCER, FAMILIAL; hereditary breast carcinoma. Identifiers: Orphanet 227535, MedGen C0346153, MONDO:0016419, OMIM 114480. Disease mechanism: loss of function.

Submission:

Myriad Genetics, Inc.
Classification: Benign for Familial cancer of breast. Last evaluated: 2024-10-08. Review status: criteria provided, single submitter. Criteria: Myriad Autosomal Dominant, Autosomal Recessive and X-Linked Classification Criteria (2023). Collection method: clinical testing. Allele origin: unknown.
Comment: This variant is considered benign. This variant is a silent/synonymous amino acid change and it is not expected to impact splicing.

NM_007194.4(CHEK2):c.1518A>C (p.Thr506=)

Gene: CHEK2 (checkpoint kinase 2; minus strand). Cytogenetic location: 22q12.1.
Variant type: single nucleotide variant.
Coding change: c.1518A>C on transcript NM_007194.4 (MANE Select); coding-DNA position 1518, A replaced by C.
Protein change: p.Thr506=; no amino-acid change (threonine 506 retained).
Molecular consequence: synonymous variant.
Genome position (GRCh38, 1-based): chr22:28,689,159, T>G on the plus strand (A>C on the coding strand, the complement: CHEK2 is on the minus strand). VCF-style: chr22-28689159-T-G. GRCh37 (hg19) VCF-style: chr22-29085147-T-G.
Other names: c.1647A>C, p.Thr549= (NM_001005735.3); c.855A>C, p.Thr285= (NM_001257387.3); c.1317A>C, p.Thr439= (NM_001349956.3); c.1431A>C, p.Thr477= (NM_145862.3).
Identifiers: ClinVar variation 3772879 (VCV003772879.1).
Genomic context (GRCh38, chr22:28,689,159, plus strand): 5'-CAGACTACATTTAGTGATCATCAGGAATACGAATACCTGGGCTAGAACCTGGGGTAGAGC[T>G]GTGGATTCATTTTCCTCAGACAGAAGATCTTGAAACTTTCTCTTCATGTCTTCATCCTGT-3'
Protein context (NP_009125.1, residues 496-516): QDLLSEENES[Thr506=]ALPQVLAQPS